The following is an entry in ClinVar:

NM_014874.4(MFN2):c.311+315A>G

Gene: MFN2 (mitofusin 2; plus strand). Cytogenetic location: 1p36.22.
Variant type: single nucleotide variant.
Coding change: c.311+315A>G on transcript NM_014874.4 (MANE Select); 315 bases into the intron after coding-DNA position 311, A replaced by G.
Molecular consequence: intron variant.
Genome position (GRCh38, 1-based): chr1:11,993,005, A>G. VCF-style: chr1-11993005-A-G. GRCh37 (hg19) VCF-style: chr1-12053062-A-G.
Other names: c.311+315A>G (NM_001127660.2).
Identifiers: ClinVar variation 673738 (VCV000673738.1), dbSNP rs114350897, ClinGen allele CA18039185.

ClinVar aggregate classification (germline): Likely benign (1 of 4 stars; one submission).

Allele frequency attached by ClinVar (database versions not stated): gnomAD 0.00631 and 0.00670; TOPMed 0.00744; 1000 Genomes Project 0.00919; 1000 Genomes Project 30x 0.00999.
gnomAD v4.1: 937 of 150,308 alleles (0.62%); highest among the groups gnomAD compares: African/African-American, 2.2%; 9 homozygotes.

Submission:

GeneDx
Classification: Likely benign. Last evaluated: 2018-06-16. Review status: criteria provided, single submitter. Criteria: GeneDx Variant Classification (06012015). Collection method: clinical testing. Allele origin: germline. Affected: yes.
Comment: This variant is considered likely benign or benign based on one or more of the following criteria: it is a conservative change, it occurs at a poorly conserved position in the protein, it is predicted to be benign by multiple in silico algorithms, and/or has population frequency not consistent with disease.